The following is an entry in ClinVar:

ClinVar aggregate classification (germline): Uncertain significance. Review status: criteria provided, multiple submitters, no conflicts (2 of 4 stars). 2 submissions from 2 submitters: Uncertain significance (2). Last evaluated 2024-12-17.

Conditions:
Combined immunodeficiency due to MALT1 deficiency. Also called: Immunodeficiency 12. Identifiers: Orphanet 397964, MedGen C3809583, MONDO:0014197, OMIM 615468.
Inborn genetic diseases. Identifiers: MedGen C0950123, MeSH D030342.

Allele frequency attached by ClinVar (database versions not stated): gnomAD 0.00001; TOPMed 0.00001; gnomAD exomes 0.00002; ExAC 0.00003.

Submissions (2):

Ambry Genetics
Classification: Uncertain significance for Inborn genetic diseases. Last evaluated: 2024-12-17. Review status: criteria provided, single submitter. Criteria: Ambry Variant Classification Scheme 2023. Collection method: clinical testing. Allele origin: germline.

Labcorp Genetics (formerly Invitae), Labcorp
Classification: Uncertain significance for Combined immunodeficiency due to MALT1 deficiency. Last evaluated: 2022-08-22. Review status: criteria provided, single submitter. Criteria: Invitae Variant Classification Sherloc (09022015). Collection method: clinical testing. Allele origin: germline.
Comment: This sequence change replaces arginine, which is basic and polar, with cysteine, which is neutral and slightly polar, at codon 392 of the MALT1 protein (p.Arg392Cys). This variant is present in population databases (rs757096789, gnomAD 0.06%). This variant has not been reported in the literature in individuals affected with MALT1-related conditions. Algorithms developed to predict the effect of missense changes on protein structure and function output the following: SIFT: "Tolerated"; PolyPhen-2: "Benign"; Align-GVGD: "Class C0". The cysteine amino acid residue is found in multiple mammalian species, which suggests that this missense change does not adversely affect protein function. In summary, the available evidence is currently insufficient to determine the role of this variant in disease. Therefore, it has been classified as a Variant of Uncertain Significance.

NM_006785.4(MALT1):c.1174C>T (p.Arg392Cys)

Gene: MALT1 (MALT1 paracaspase; plus strand). Cytogenetic location: 18q21.32.
Variant type: single nucleotide variant.
Coding change: c.1174C>T on transcript NM_006785.4 (MANE Select); coding-DNA position 1174, C replaced by T.
Protein change: p.Arg392Cys; replaces arginine 392 with cysteine.
Molecular consequence: missense variant.
Genome position (GRCh38, 1-based): chr18:58,723,203, C>T. VCF-style: chr18-58723203-C-T. GRCh37 (hg19) VCF-style: chr18-56390435-C-T.
Other names: c.1141C>T, p.Arg381Cys (NM_173844.3); c.1174C>T (NM_006785.2); short protein forms R392C, R381C.
Identifiers: ClinVar variation 2071176 (VCV002071176.2), dbSNP rs757096789, ClinGen allele CA8977836.